The following is an entry in ClinVar:

NM_012330.4(KAT6B):c.4148A>C (p.Asp1383Ala)

Gene: KAT6B (lysine acetyltransferase 6B; plus strand). Cytogenetic location: 10q22.2.
Variant type: single nucleotide variant.
Coding change: c.4148A>C on transcript NM_012330.4 (MANE Select); coding-DNA position 4148, A replaced by C.
Protein change: p.Asp1383Ala; replaces aspartic acid 1383 with alanine.
Molecular consequence: missense variant.
Genome position (GRCh38, 1-based): chr10:75,028,972, A>C. VCF-style: chr10-75028972-A-C. GRCh37 (hg19) VCF-style: chr10-76788730-A-C.
Other names: c.3599A>C, p.Asp1200Ala (NM_001256468.2, NM_001370138.1); c.3272A>C, p.Asp1091Ala (NM_001256469.2, NM_001370139.1, NM_001370140.1 and 2 more transcripts); c.3110A>C, p.Asp1037Ala (NM_001370132.1); c.2459A>C, p.Asp820Ala (NM_001370133.1); c.2063A>C, p.Asp688Ala (NM_001370134.1); c.1805A>C, p.Asp602Ala (NM_001370135.1); c.4148A>C, p.Asp1383Ala (NM_001370136.1, NM_001370137.1); c.3083A>C, p.Asp1028Ala (NM_001370143.1, NM_001370144.1); short protein forms D1028A, D1037A, D1383A, D688A, D1091A, D1200A, D602A, D820A.
Identifiers: ClinVar variation 1033227 (VCV001033227.2), dbSNP rs1846099902, ClinGen allele CA377296012.

ClinVar aggregate classification (germline): Uncertain significance. Review status: criteria provided, multiple submitters, no conflicts (2 of 4 stars). 2 submissions from 2 submitters: Uncertain significance (2). Last evaluated 2025-03-19.

Conditions:
Genitopatellar syndrome (GTPTS). Also called: Genitopatellar syndrome (GPS); ABSENT PATELLAE, SCROTAL HYPOPLASIA, RENAL ANOMALIES, FACIAL DYSMORPHISM, AND MENTAL RETARDATION. Identifiers: Orphanet 85201, MedGen C1853566, MONDO:0011640, OMIM 606170.

Allele frequency attached by ClinVar (database versions not stated): gnomAD exomes below 0.00001.
gnomAD v4.1: 1 of 1,613,968 alleles (0.000062%); highest among the groups gnomAD compares: Non-Finnish European, 0.000085%; no homozygotes.

Submissions (2):

Labcorp Genetics (formerly Invitae), Labcorp
Classification: Uncertain significance for Genitopatellar syndrome. Last evaluated: 2025-03-19. Review status: criteria provided, single submitter. Criteria: Invitae Variant Classification Sherloc (09022015). Collection method: clinical testing. Allele origin: germline.
Comment: This sequence change replaces aspartic acid, which is acidic and polar, with alanine, which is neutral and non-polar, at codon 1383 of the KAT6B protein (p.Asp1383Ala). This variant is not present in population databases (gnomAD no frequency). This variant has not been reported in the literature in individuals affected with KAT6B-related conditions. ClinVar contains an entry for this variant (Variation ID: 1033227). Invitae Evidence Modeling of protein sequence and biophysical properties (such as structural, functional, and spatial information, amino acid conservation, physicochemical variation, residue mobility, and thermodynamic stability) indicates that this missense variant is not expected to disrupt KAT6B protein function with a negative predictive value of 80%. In summary, the available evidence is currently insufficient to determine the role of this variant in disease. Therefore, it has been classified as a Variant of Uncertain Significance.

Baylor Genetics
Classification: Uncertain significance for Genitopatellar syndrome. Last evaluated: 2018-10-12. Review status: criteria provided, single submitter. Criteria: ACMG Guidelines, 2015. Collection method: clinical testing. Allele origin: maternal. Affected: yes.
Comment: This variant was determined to be of uncertain significance according to ACMG Guidelines, 2015 [PMID:25741868].